The following is an entry in ClinVar:

ClinVar aggregate classification (germline): Benign/Likely benign. Review status: criteria provided, multiple submitters, no conflicts (2 of 4 stars). 2 submissions from 2 submitters: Benign (1); Likely benign (1). Last evaluated 2026-06-08.

Conditions:
Hereditary cancer-predisposing syndrome. Also called: Neoplastic Syndromes, Hereditary; Tumor predisposition; Hereditary Cancer Syndrome; Hereditary neoplastic syndrome. Identifiers: Orphanet 140162, MedGen C0027672, MeSH D009386, MONDO:0015356.
Hereditary leiomyomatosis and renal cell cancer. Also called: MULTIPLE CUTANEOUS AND UTERINE LEIOMYOMATA 1, WITH OR WITHOUT RENAL CELL CARCINOMA; LEIOMYOMA, MULTIPLE CUTANEOUS; FH tumor predisposition syndrome; Reed syndrome; Multiple cutaneous and uterine leiomyomatosis; Cutaneous leiomyomata with uterine leiomyomata. Identifiers: Orphanet 523, MedGen C1708350, MONDO:0007888, OMIM 150800, HP:0007437. Disease mechanism: loss of function.

Submissions (2):

Ambry Genetics
Classification: Likely benign for Hereditary cancer-predisposing syndrome. Last evaluated: 2026-06-08. Review status: criteria provided, single submitter. Criteria: Ambry Variant Classification Scheme 2023. Collection method: clinical testing. Allele origin: germline.

Myriad Genetics, Inc.
Classification: Benign for Hereditary leiomyomatosis and renal cell cancer. Last evaluated: 2024-10-21. Review status: criteria provided, single submitter. Criteria: Myriad Autosomal Dominant, Autosomal Recessive and X-Linked Classification Criteria (2023). Collection method: clinical testing. Allele origin: unknown.
Comment: This variant is considered benign. This variant is a silent/synonymous amino acid change and it is not expected to impact splicing.

NM_000143.4(FH):c.1050G>A (p.Arg350=)

Gene: FH (fumarate hydratase; minus strand). Cytogenetic location: 1q43.
Variant type: single nucleotide variant.
Coding change: c.1050G>A on transcript NM_000143.4 (MANE Select); coding-DNA position 1050, G replaced by A.
Protein change: p.Arg350=; no amino-acid change (arginine 350 retained).
Molecular consequence: synonymous variant.
Genome position (GRCh38, 1-based): chr1:241,504,100, C>T on the plus strand (G>A on the coding strand, the complement: FH is on the minus strand). VCF-style: chr1-241504100-C-T. GRCh37 (hg19) VCF-style: chr1-241667400-C-T.
Identifiers: ClinVar variation 3773014 (VCV003773014.2).